The following is an entry in ClinVar:

NM_000051.4(ATM):c.3836G>A (p.Trp1279Ter)

Gene: ATM (ATM serine/threonine kinase; plus strand). Cytogenetic location: 11q22.3.
Variant type: single nucleotide variant.
Coding change: c.3836G>A on transcript NM_000051.4 (MANE Select); coding-DNA position 3836, G replaced by A.
Protein change: p.Trp1279Ter; replaces tryptophan 1279 with a stop codon.
Molecular consequence: nonsense.
Genome position (GRCh38, 1-based): chr11:108,284,316, G>A. VCF-style: chr11-108284316-G-A. GRCh37 (hg19) VCF-style: chr11-108155043-G-A.
Other names: p.W1279*:TGG>TAG; c.3836G>A, p.Trp1279Ter (NM_001351834.2); short protein forms W1279*.
Identifiers: ClinVar variation 127376 (VCV000127376.15), dbSNP rs587779836, ClinGen allele CA286819.

ClinVar aggregate classification (germline): Pathogenic. Review status: criteria provided, multiple submitters, no conflicts (2 of 4 stars). 6 submissions from 6 submitters: Pathogenic (5). 1 of the submissions does not count toward it. Last evaluated 2025-08-30.

Conditions:
Hereditary cancer-predisposing syndrome. Also called: Tumor predisposition; Hereditary Cancer Syndrome; Neoplastic Syndromes, Hereditary; Hereditary neoplastic syndrome. Identifiers: Orphanet 140162, MedGen C0027672, MeSH D009386, MONDO:0015356.
Familial cancer of breast. Also called: BREAST CANCER, FAMILIAL; Hereditary breast cancer; hereditary breast carcinoma. Identifiers: Orphanet 227535, MedGen C0346153, MONDO:0016419, OMIM 114480. Disease mechanism: loss of function.
Ataxia-telangiectasia syndrome (AT). Also called: LOUIS-BAR SYNDROME; Cerebello-oculocutaneous telangiectasia; Immunodeficiency with ataxia telangiectasia; ATAXIA-TELANGIECTASIA, COMPLEMENTATION GROUP A; ATAXIA-TELANGIECTASIA, FRESNO VARIANT; Ataxia-telangiectasia. Identifiers: Orphanet 100, MedGen C0004135, MONDO:0008840, OMIM 208900.

Allele frequency attached by ClinVar (database versions not stated): gnomAD exomes below 0.00001.
gnomAD v4.1: 2 of 1,613,908 alleles (0.00012%); highest among the groups gnomAD compares: Non-Finnish European, 0.00017%; no homozygotes.

Submissions (6):

Labcorp Genetics (formerly Invitae), Labcorp
Classification: Pathogenic for Ataxia-telangiectasia syndrome. Last evaluated: 2025-08-30. Review status: criteria provided, single submitter. Criteria: Invitae Variant Classification Sherloc (09022015). Collection method: clinical testing. Allele origin: germline.
Comment: This sequence change creates a premature translational stop signal (p.Trp1279*) in the ATM gene. It is expected to result in an absent or disrupted protein product. Loss-of-function variants in ATM are known to be pathogenic (PMID: 23807571, 25614872). This variant is not present in population databases (gnomAD no frequency). This premature translational stop signal has been observed in individual(s) with clinical features of ataxia telangiectasia (PMID: 12815592). ClinVar contains an entry for this variant (Variation ID: 127376). For these reasons, this variant has been classified as Pathogenic.

Baylor Genetics
Classification: Pathogenic for Familial cancer of breast. Last evaluated: 2024-02-15. Review status: criteria provided, single submitter. Criteria: ACMG Guidelines, 2015. Collection method: clinical testing. Allele origin: unknown.

Myriad Genetics, Inc.
Classification: Pathogenic for Familial cancer of breast. Last evaluated: 2024-01-23. Review status: criteria provided, single submitter. Criteria: Myriad Autosomal Dominant, Autosomal Recessive and X-Linked Classification Criteria (2023). Collection method: clinical testing. Allele origin: unknown.
Comment: This variant is considered pathogenic. This variant creates a termination codon and is predicted to result in premature protein truncation.

Ambry Genetics
Classification: Pathogenic for Hereditary cancer-predisposing syndrome. Last evaluated: 2023-02-28. Review status: criteria provided, single submitter. Criteria: Ambry Variant Classification Scheme 2023. Collection method: clinical testing. Allele origin: germline.
Comment: The p.W1279* pathogenic mutation (also known as c.3836G>A), located in coding exon 25 of the ATM gene, results from a G to A substitution at nucleotide position 3836. This changes the amino acid from a tryptophan to a stop codon within coding exon 25. This alteration has been reported in conjunction with a second truncating mutation in an individual with ataxia telangiectasia (AT) (Mitui M et al. Hum. Mutat. 2003; 22:43-50). In addition to the information presented in the literature, this alteration is expected to result in loss of function by premature protein truncation or nonsense-mediated mRNA decay. This variant is considered to be rare based on population cohorts in the Genome Aggregation Database (gnomAD). As such, this alteration is interpreted as a disease-causing mutation.

GeneDx
Classification: Pathogenic. Last evaluated: 2017-10-09. Review status: criteria provided, single submitter. Criteria: GeneDx Variant Classification (06012015). Collection method: clinical testing. Allele origin: germline. Affected: yes.
Comment: This variant is denoted ATM c.3836G>A at the cDNA level and p.Trp1279Ter (W1279X) at the protein level. The substitution creates a nonsense variant, which changes a Tryptophan to a premature stop codon (TGG>TAG), and is predicted to cause loss of normal protein function through either protein truncation or nonsense-mediated mRNA decay. This variant has been reported in the compound heterozygous state in an individual with ataxia-telangiectasia (Mitui 2003) and is considered pathogenic.

Natera, Inc.
Classification: Pathogenic for Ataxia-telangiectasia. Last evaluated: 2020-09-16. Review status: no assertion criteria provided. Collection method: clinical testing. Allele origin: germline. Not counted in ClinVar's aggregate classification.

Literature cited by the submitters: PubMed 23807571 (cited by Labcorp Genetics (formerly Invitae), Labcorp); PubMed 25614872 (cited by Labcorp Genetics (formerly Invitae), Labcorp); PubMed 12815592 (cited by Labcorp Genetics (formerly Invitae), Labcorp and Ambry Genetics); PubMed 25525159 (cited by Ambry Genetics).